The following is an entry in ClinVar:

NM_005529.7(HSPG2):c.8554G>A (p.Gly2852Arg)

Gene: HSPG2 (heparan sulfate proteoglycan 2; minus strand). Cytogenetic location: 1p36.12.
Variant type: single nucleotide variant.
Coding change: c.8554G>A on transcript NM_005529.7 (MANE Select); coding-DNA position 8554, G replaced by A.
Protein change: p.Gly2852Arg; replaces glycine 2852 with arginine.
Molecular consequence: missense variant.
Genome position (GRCh38, 1-based): chr1:21,844,210, C>T on the plus strand (G>A on the coding strand, the complement: HSPG2 is on the minus strand). VCF-style: chr1-21844210-C-T. GRCh37 (hg19) VCF-style: chr1-22170703-C-T.
Other names: c.8557G>A, p.Gly2853Arg (NM_001291860.2); short protein forms G2852R, G2853R.
Identifiers: ClinVar variation 586007 (VCV000586007.22), dbSNP rs199942544, ClinGen allele CA670741.

ClinVar aggregate classification (germline): Conflicting classifications of pathogenicity. Review status: criteria provided, conflicting classifications (1 of 4 stars). 6 submissions from 5 submitters: Uncertain significance (4); Likely benign (2). Last evaluated 2025-10-21.

Conditions:
Schwartz-Jampel syndrome. Also called: Myotonic myopathy dwarfism chondrodystrophy and ocular and facial abnormalities. Identifiers: Orphanet 800, MedGen C0036391, MONDO:0009717.
Lethal Kniest-like syndrome (DDSH). Also called: Dyssegmental Dysplasia. Identifiers: Orphanet 1865, MedGen C1857100, MONDO:0009140, OMIM 224410.

Allele frequency attached by ClinVar (database versions not stated): TOPMed 0.00016; gnomAD 0.00017 and 0.00019; ESP Exome Variant Server 0.00023; gnomAD exomes 0.00030; ExAC 0.00031.
gnomAD v4.1: 242 of 1,613,666 alleles (0.015%); highest among the groups gnomAD compares: African/African-American, 0.0093%; no homozygotes.

Submissions (6):

Labcorp Genetics (formerly Invitae), Labcorp
Classification: Likely benign. Last evaluated: 2025-10-21. Review status: criteria provided, single submitter. Criteria: Invitae Variant Classification Sherloc (09022015). Collection method: clinical testing. Allele origin: germline.

ARUP Laboratories, Molecular Genetics and Genomics, ARUP Laboratories
Classification: Uncertain significance. Last evaluated: 2019-04-22. Review status: criteria provided, single submitter. Criteria: ARUP Molecular Germline Variant Investigation Process. Collection method: clinical testing. Allele origin: germline.
Comment: The HSPG2 c.8554G>A; p.Gly2852Arg variant (rs199942544), to our knowledge, is not reported in the medical literature or gene specific databases. This variant is listed in the Genome Aggregation Database (gnomAD) with an overall frequency of 0.6 percent in the Ashkenazi Jewish population (identified on 64 out of 10,354 chromosomes) and has been reported to the ClinVar database (Variation ID: 586007). The arginine at position 2852 is highly conserved and computational analyses of the effects of the p.Gly2852Arg variant on protein structure and function is deleterious (SIFT: damaging, PolyPhen-2: probably damaging). Altogether, there is not enough evidence to classify the p.Gly2852Arg variant with certainty.

Revvity Omics, Revvity
Classification: Uncertain significance. Last evaluated: 2019-04-17. Review status: criteria provided, single submitter. Criteria: ACMG Guidelines, 2015. Collection method: clinical testing. Allele origin: germline.

Illumina Laboratory Services, Illumina
Classification: Uncertain significance for Lethal Kniest-like syndrome. Last evaluated: 2018-01-12. Review status: criteria provided, single submitter. Criteria: ICSL Variant Classification Criteria 13 December 2019. Collection method: clinical testing. Allele origin: germline.

Illumina Laboratory Services, Illumina
Classification: Uncertain significance for Schwartz-Jampel syndrome type 1. Last evaluated: 2018-01-12. Review status: criteria provided, single submitter. Criteria: ICSL Variant Classification Criteria 13 December 2019. Collection method: clinical testing. Allele origin: germline.

Athena Diagnostics
Classification: Likely benign. Last evaluated: 2017-12-05. Review status: criteria provided, single submitter. Criteria: Athena Diagnostics Criteria. Collection method: clinical testing. Allele origin: germline.